The following is an entry in ClinVar:

ClinVar aggregate classification (germline): Uncertain significance (1 of 4 stars; one submission).

Submission:

Labcorp Genetics (formerly Invitae), Labcorp
Classification: Uncertain significance. Last evaluated: 2022-08-05. Review status: criteria provided, single submitter. Criteria: Invitae Variant Classification Sherloc (09022015). Collection method: clinical testing. Allele origin: germline.
Comment: In summary, the available evidence is currently insufficient to determine the role of this variant in disease. Therefore, it has been classified as a Variant of Uncertain Significance. Advanced modeling of protein sequence and biophysical properties (such as structural, functional, and spatial information, amino acid conservation, physicochemical variation, residue mobility, and thermodynamic stability) performed at Invitae indicates that this missense variant is expected to disrupt BEST1 protein function. This variant is not present in population databases (gnomAD no frequency). This sequence change replaces leucine, which is neutral and non-polar, with proline, which is neutral and non-polar, at codon 271 of the BEST1 protein (p.Leu271Pro). This variant has not been reported in the literature in individuals affected with BEST1-related conditions.

NM_004183.4(BEST1):c.812T>C (p.Leu271Pro)

Gene: BEST1 (bestrophin 1; plus strand). Cytogenetic location: 11q12.3.
Variant type: single nucleotide variant.
Coding change: c.812T>C on transcript NM_004183.4 (MANE Select); coding-DNA position 812, T replaced by C.
Protein change: p.Leu271Pro; replaces leucine 271 with proline.
Molecular consequence: missense variant. On other transcripts: non-coding transcript variant (1).
Genome position (GRCh38, 1-based): chr11:61,958,243, T>C. VCF-style: chr11-61958243-T-C. GRCh37 (hg19) VCF-style: chr11-61725715-T-C.
Other names: c.632T>C, p.Leu211Pro (NM_001139443.3, NM_001300786.2, NM_001300787.2); c.494T>C, p.Leu165Pro (NM_001363591.3); c.812T>C, p.Leu271Pro (NM_001363592.2); c.-364T>C (NM_001363593.3); short protein forms L165P, L211P, L271P.
Identifiers: ClinVar variation 1715155 (VCV001715155.5), dbSNP rs2541384493, ClinGen allele CA380839975.